The following is an entry in ClinVar:

NM_000123.4(ERCC5):c.2518_2521del (p.Phe840fs)

Genes: BIVM-ERCC5 (BIVM-ERCC5 readthrough; plus strand), ERCC5 (ERCC excision repair 5, endonuclease; plus strand), LOC126861834 (BRD4-independent group 4 enhancer GRCh37_chr13:103518038-103519237; plus strand). Cytogenetic location: 13q33.1.
Variant type: Deletion.
Coding change: c.2518_2521del on transcript NM_000123.4 (MANE Select); coding-DNA positions 2518 to 2521, 4 bases deleted (TTTC; older notation c.2518_2521delTTTC).
Protein change: p.Phe840fs; shifts the reading frame from phenylalanine 840.
Molecular consequence: frameshift variant.
Genome position (GRCh38, 1-based): chr13:102,866,830-102,866,833, TTTC deleted; deleting any 4 consecutive bases within chr13:102,866,829-102,866,833 gives the same sequence; the c. name uses the placement nearest the transcript's 3' end. VCF-style (leftmost placement, unchanged base first): chr13-102866828-ACTTT-A. GRCh37 (hg19) VCF-style: chr13-103519178-ACTTT-A.
Other names: c.3880_3883del, p.Phe1294fs (NM_001204425.2); short protein forms F1294fs, F840fs.
Identifiers: ClinVar variation 3684314 (VCV003684314.2).
Genomic context (GRCh38, chr13:102,866,828, plus strand): 5'-GGCATGTCTATAGAAACTTTTTTAATAAAAACAAGTTTGTAGAATATTATCAATATGTGG[ACTTT>A]CACAATCAATTGGGTAAGACTTCAGAGTCTTTTTGATTACTTTCTGACATTTACCTTCAG-3'

ClinVar aggregate classification (germline): Pathogenic (1 of 4 stars; one submission).

Submission:

Labcorp Genetics (formerly Invitae), Labcorp
Classification: Pathogenic. Last evaluated: 2025-12-16. Review status: criteria provided, single submitter. Criteria: Invitae Variant Classification Sherloc (09022015). Collection method: clinical testing. Allele origin: germline.
Comment: This sequence change creates a premature translational stop signal (p.Phe840Thrfs*11) in the ERCC5 gene. It is expected to result in an absent or disrupted protein product. Loss-of-function variants in ERCC5 are known to be pathogenic (PMID: 23370536, 24700531, 30919937). This variant is not present in population databases (gnomAD no frequency). This variant has not been reported in the literature in individuals affected with ERCC5-related conditions. ClinVar contains an entry for this variant (Variation ID: 3684314). For these reasons, this variant has been classified as Pathogenic.

Literature cited by the submitters: PubMed 23370536; PubMed 24700531; PubMed 30919937.